The following is an entry in ClinVar:

NM_000263.4(NAGLU):c.391_392delinsAT (p.Tyr131Ile)

Gene: NAGLU (N-acetyl-alpha-glucosaminidase; plus strand). Cytogenetic location: 17q21.2.
Variant type: Indel.
Coding change: c.391_392delinsAT on transcript NM_000263.4 (MANE Select); coding-DNA positions 391 to 392, TA replaced by AT.
Protein change: p.Tyr131Ile; replaces tyrosine 131 with isoleucine.
Molecular consequence: missense variant.
Genome position (GRCh38, 1-based): chr17:42,537,405-42,537,406, TA replaced by AT. VCF-style: chr17-42537405-TA-AT. GRCh37 (hg19) VCF-style: chr17-40689423-TA-AT.
Other names: short protein forms Y131I.
Identifiers: ClinVar variation 4849666 (VCV004849666.1).

ClinVar aggregate classification (germline): Uncertain significance (1 of 4 stars; one submission).

Conditions:
Mucopolysaccharidosis, MPS-III-B (MPS3B). Also called: MPS IIIB (Sanfilippo Syndrome Type B); N-ACETYL-ALPHA-D-GLUCOSAMINIDASE DEFICIENCY; NAGLU DEFICIENCY; SANFILIPPO SYNDROME B; MPS III B; Mucopolysaccharidosis type IIIB (Sanfilippo B). Identifiers: Orphanet 79270, MedGen C0086648, MONDO:0009656, OMIM 252920.

Submission:

Diagnostics Services (NGS), CSIR - Centre For Cellular And Molecular Biology
Classification: Uncertain significance for Mucopolysaccharidosis, MPS-III-B. Last evaluated: 2026-01-01. Review status: criteria provided, single submitter. Criteria: ACMG Guidelines, 2015. Collection method: clinical testing. Allele origin: germline. Affected: yes. Observed: 1 variant allele, 1 homozygote.
Comment: The c.391_392delinsAT variant is not present in publicly available population databases like 1000 Genomes, EVS, gnomAD, Indian Exome Database or our internal database. This variant has neither been published in literature in individuals affected with NAGLU-related conditions nor reported to clinical databases like Human Genome Mutation Database (HGMD), ClinVar, or OMIM, in any affected individuals. In-silico pathogenicity prediction programs like MutationTaster2021, CADD, etc predicted this variant to be likely deleterious. An alternative variant with a different amino acid change in the same codon (Tyr131Cys) has been previously observed in individual(s) with mucopolysaccharidosis type IIIB [PMID:34813777] and reported to the clinical databases.

Literature cited by the submitters: PubMed 34813777.